The following is an entry in ClinVar:

ClinVar aggregate classification (germline): Likely pathogenic (1 of 4 stars; one submission).

Allele frequency attached by ClinVar (database versions not stated): gnomAD exomes below 0.00001 and 0.00001.
gnomAD v4.1: 3 of 1,613,862 alleles (0.00019%); highest among the groups gnomAD compares: Non-Finnish European, 0.00025%; no homozygotes.

Submission:

Labcorp Genetics (formerly Invitae), Labcorp
Classification: Likely pathogenic. Last evaluated: 2024-05-06. Review status: criteria provided, single submitter. Criteria: Invitae Variant Classification Sherloc (09022015). Collection method: clinical testing. Allele origin: germline.
Comment: This sequence change affects an acceptor splice site in intron 23 of the CNGB1 gene. It is expected to disrupt RNA splicing. Variants that disrupt the donor or acceptor splice site typically lead to a loss of protein function (PMID: 16199547), and loss-of-function variants in CNGB1 are known to be pathogenic (PMID: 15557452, 24043777). This variant is present in population databases (no rsID available, gnomAD 0.0009%). Disruption of this splice site has been observed in individual(s) with clinical features of retinitis pigmentosa (PMID: 33847019). ClinVar contains an entry for this variant (Variation ID: 1517087). Algorithms developed to predict the effect of sequence changes on RNA splicing suggest that this variant may disrupt the consensus splice site. In summary, the currently available evidence indicates that the variant is pathogenic, but additional data are needed to prove that conclusively. Therefore, this variant has been classified as Likely Pathogenic.

Literature cited by the submitters: PubMed 16199547; PubMed 15557452; PubMed 24043777; PubMed 33847019.

NM_001297.5(CNGB1):c.2305-2A>G

Gene: CNGB1 (cyclic nucleotide gated channel subunit beta 1; minus strand). Cytogenetic location: 16q21.
Variant type: single nucleotide variant.
Coding change: c.2305-2A>G on transcript NM_001297.5 (MANE Select); the canonical splice acceptor site of the intron before coding-DNA position 2305, A replaced by G.
Molecular consequence: splice acceptor variant.
Genome position (GRCh38, 1-based): chr16:57,912,996, T>C on the plus strand (A>G on the coding strand, the complement: CNGB1 is on the minus strand). VCF-style: chr16-57912996-T-C. GRCh37 (hg19) VCF-style: chr16-57946900-T-C.
Other names: c.2287-2A>G (NM_001286130.2).
Identifiers: ClinVar variation 1517087 (VCV001517087.6), dbSNP rs1213265293, ClinGen allele CA396061806.